The following is an entry in ClinVar:

ClinVar aggregate classification (germline): Uncertain significance (1 of 4 stars; one submission).

Conditions:
RASopathy. Also called: rasopathies; Noonan spectrum disorder. Identifiers: Orphanet 536391, MedGen C5555857, MONDO:0021060.

Allele frequency attached by ClinVar (database versions not stated): TOPMed below 0.00001; ExAC 0.00001; gnomAD 0.00001; ESP Exome Variant Server 0.00008.
gnomAD v4.1: 1 of 1,614,012 alleles (0.000062%); highest among the groups gnomAD compares: Non-Finnish European, 0.000085%; no homozygotes.

Submission:

Labcorp Genetics (formerly Invitae), Labcorp
Classification: Uncertain significance for RASopathy. Last evaluated: 2022-12-02. Review status: criteria provided, single submitter. Criteria: Invitae Variant Classification Sherloc (09022015). Collection method: clinical testing. Allele origin: germline.
Comment: In summary, the available evidence is currently insufficient to determine the role of this variant in disease. Therefore, it has been classified as a Variant of Uncertain Significance. Algorithms developed to predict the effect of missense changes on protein structure and function (SIFT, PolyPhen-2, Align-GVGD) all suggest that this variant is likely to be tolerated. ClinVar contains an entry for this variant (Variation ID: 953943). This variant has not been reported in the literature in individuals affected with RAF1-related conditions. This variant is not present in population databases (gnomAD no frequency). This sequence change replaces alanine, which is neutral and non-polar, with valine, which is neutral and non-polar, at codon 288 of the RAF1 protein (p.Ala288Val).

NM_002880.4(RAF1):c.863C>T (p.Ala288Val)

Gene: RAF1 (Raf-1 proto-oncogene, serine/threonine kinase; minus strand). Cytogenetic location: 3p25.2.
Variant type: single nucleotide variant.
Coding change: c.863C>T on transcript NM_002880.4 (MANE Select); coding-DNA position 863, C replaced by T.
Protein change: p.Ala288Val; replaces alanine 288 with valine.
Molecular consequence: missense variant. On other transcripts: non-coding transcript variant (3).
Genome position (GRCh38, 1-based): chr3:12,600,279, G>A on the plus strand (C>T on the coding strand, the complement: RAF1 is on the minus strand). VCF-style: chr3-12600279-G-A. GRCh37 (hg19) VCF-style: chr3-12641778-G-A.
Other names: c.923C>T, p.Ala308Val (NM_001354689.3); c.863C>T, p.Ala288Val (NM_001354690.3); c.620C>T, p.Ala207Val (NM_001354691.3, NM_001354692.3); c.764C>T, p.Ala255Val (NM_001354693.3); c.680C>T, p.Ala227Val (NM_001354694.3); c.521C>T, p.Ala174Val (NM_001354695.3); short protein forms A308V, A227V, A288V, A174V, A207V, A255V.
Identifiers: ClinVar variation 953943 (VCV000953943.9), dbSNP rs373658870, ClinGen allele CA2259643.
Genomic context (GRCh38, chr3:12,600,279, plus strand): 5'-GGCTGTGACCAGCCTGTTGGGCTCAGATTGTTGGGGCTACTGGACAGGGCTGAAGGTGAG[G>A]CTTAATAGACAAGACAAACAGAAGCCACACAAGGATAAGCCAACAGAAGATACACCGCAT-3'
Protein context (NP_002871.1, residues 278-298): EDAIRSHSES[Ala288Val]SPSALSSSPN